The following is an entry in ClinVar:

ClinVar aggregate classification (germline): Likely benign. Review status: criteria provided, multiple submitters, no conflicts (2 of 4 stars). 5 submissions from 5 submitters: Likely benign (5). Last evaluated 2026-08-29.

Conditions:
Familial thoracic aortic aneurysm and aortic dissection (TAAD). Also called: Thoracic aortic aneurysms and dissections. Identifiers: Orphanet 91387, MedGen C4707243, MONDO:0019625.
Marfan syndrome (MFS). Also called: MARFAN SYNDROME, TYPE I; Marfan syndrome, classic; FBN1-Related Marfan Syndrome; Marfan syndrome type 1; Marfan's syndrome. Identifiers: Orphanet 284963, Orphanet 558, MedGen C0024796, MONDO:0007947, OMIM 154700.

Allele frequency attached by ClinVar (database versions not stated): TOPMed 0.00002.

Submissions (5):

Ambry Genetics
Classification: Likely benign for Familial thoracic aortic aneurysm and aortic dissection. Last evaluated: 2026-08-29. Review status: criteria provided, single submitter. Criteria: Ambry Variant Classification Scheme 2023. Collection method: clinical testing. Allele origin: germline.

Labcorp Genetics (formerly Invitae), Labcorp
Classification: Likely benign for Marfan syndrome; Familial thoracic aortic aneurysm and aortic dissection. Last evaluated: 2024-07-06. Review status: criteria provided, single submitter. Criteria: Invitae Variant Classification Sherloc (09022015). Collection method: clinical testing. Allele origin: germline.

All of Us Research Program, National Institutes of Health
Classification: Likely benign for Marfan syndrome. Last evaluated: 2024-04-16. Review status: criteria provided, single submitter. Criteria: ACMG Guidelines, 2015. Collection method: clinical testing. Allele origin: germline. Inheritance: Autosomal dominant inheritance. Observed: 1 variant allele, 1 heterozygote.
Comment: This study involves interpretation of variants in research participants for the purpose of population health screening. Participant phenotype was not available at the time of variant classification. Additional details can be found in publication PMID: 35346344, PMCID: PMC8962531

Color Diagnostics, LLC DBA Color Health
Classification: Likely benign for Familial thoracic aortic aneurysm and aortic dissection. Last evaluated: 2024-04-03. Review status: criteria provided, single submitter. Criteria: ACMG Guidelines, 2015. Collection method: clinical testing. Allele origin: germline.

GeneDx
Classification: Likely benign. Last evaluated: 2016-03-16. Review status: criteria provided, single submitter. Criteria: GeneDx Variant Classification (06012015). Collection method: clinical testing. Allele origin: germline. Affected: yes.
Comment: This variant is considered likely benign or benign based on one or more of the following criteria: it is a conservative change, it occurs at a poorly conserved position in the protein, it is predicted to be benign by multiple in silico algorithms, and/or has population frequency not consistent with disease.

NM_000138.5(FBN1):c.3903C>T (p.Gly1301=)

Gene: FBN1 (fibrillin 1; minus strand). Cytogenetic location: 15q21.1.
Variant type: single nucleotide variant.
Coding change: c.3903C>T on transcript NM_000138.5 (MANE Select); coding-DNA position 3903, C replaced by T.
Protein change: p.Gly1301=; no amino-acid change (glycine 1301 retained).
Molecular consequence: synonymous variant.
Genome position (GRCh38, 1-based): chr15:48,481,716, G>A on the plus strand (C>T on the coding strand, the complement: FBN1 is on the minus strand). VCF-style: chr15-48481716-G-A. GRCh37 (hg19) VCF-style: chr15-48773913-G-A.
Identifiers: ClinVar variation 384904 (VCV000384904.8), dbSNP rs1018707026, ClinGen allele CA16607805.